The following is an entry in ClinVar:

NM_000073.3(CD3G):c.56-2del

Gene: CD3G (CD3 gamma subunit of T-cell receptor complex; plus strand). Cytogenetic location: 11q23.3.
Variant type: Deletion.
Coding change: c.56-2del on transcript NM_000073.3 (MANE Select); the canonical splice acceptor site of the intron before coding-DNA position 56, one base deleted (A; older notation c.56-2delA).
Molecular consequence: splice acceptor variant.
Genome position (GRCh38, 1-based): chr11:118,349,025, A deleted. VCF-style (leftmost placement, unchanged base first): chr11-118349024-CA-C. GRCh37 (hg19) VCF-style: chr11-118219739-CA-C.
Other names: c.56-2del (NM_001440319.1); c.56-2delA (NM_000073.3).
Identifiers: ClinVar variation 4845742 (VCV004845742.1).
Genomic context (GRCh38, chr11:118,349,024, plus strand): 5'-ACTTCAGGGCATCTGAACAACTCCATGCCCAGCTAATACTCTATCTCTCTTCTGTCTTTA[CA>C]GGTACTTTGGCCCAGTCAATCAAAGGTAGGAGAAATGGCTTCTTTCTATACTCAGACTCA-3'

ClinVar aggregate classification (germline): Likely pathogenic (1 of 4 stars; one submission).

Conditions:
Combined immunodeficiency due to CD3gamma deficiency. Also called: Immunodeficiency 17, CD3 gamma deficient; CD3-GAMMA DEFICIENCY; SCID-LIKE IMMUNODEFICIENCY, T CELL-PARTIAL, B CELL-POSITIVE, NK CELL-POSITIVE; Immunodeficiency 17. Identifiers: Orphanet 169082, MedGen C3810107, MONDO:0014276, OMIM 615607.

Submission:

First Genomix Gene Laboratory, Genetic Diagnostics Department
Classification: Likely pathogenic for Combined immunodeficiency due to CD3gamma deficiency. Last evaluated: 2025-01-08. Review status: criteria provided, single submitter. Criteria: ACMG Guidelines, 2015. Collection method: clinical testing. Allele origin: germline. Inheritance: Autosomal recessive inheritance. Affected: no. Observed: 1 variant allele.